The following is an entry in ClinVar:

ClinVar aggregate classification (germline): Conflicting classifications of pathogenicity. Review status: criteria provided, conflicting classifications (1 of 4 stars). 3 submissions from 3 submitters: Uncertain significance (2); Likely benign (1). Last evaluated 2026-06-24.

Conditions:
Rubinstein-Taybi syndrome due to CREBBP mutations (RSTS1). Also called: CREBBP-Related Rubinstein-Taybi Syndrome; BROAD THUMB-HALLUX SYNDROME; RUBINSTEIN-TAYBI SYNDROME 1, INCOMPLETE; RUBINSTEIN SYNDROME; BROAD THUMBS AND GREAT TOES, CHARACTERISTIC FACIES, AND IMPAIRED INTELLECTUAL DEVELOPMENT; Rubinstein-Taybi syndrome 1. Identifiers: Orphanet 353277, Orphanet 783, MedGen C4551859, MONDO:0008393, OMIM 180849.
Menke-Hennekam syndrome 1 (MKHK1). Identifiers: MedGen C5193034, MONDO:0020763, OMIM 618332.
CREBBP-related disorder. Also called: CREBBP-related disorders; CREBBP-related condition.
Rubinstein-Taybi syndrome (RSTS). Identifiers: Orphanet 783, MedGen C0035934, MONDO:0019188.

Allele frequency attached by ClinVar (database versions not stated): gnomAD exomes below 0.00001; gnomAD 0.00001; TOPMed 0.00001.
gnomAD v4.1: 5 of 1,614,162 alleles (0.00031%); highest among the groups gnomAD compares: African/African-American, 0.0067%; no homozygotes.

Submissions (3):

PreventionGenetics, part of Exact Sciences
Classification: Uncertain significance for CREBBP-related condition. Last evaluated: 2026-06-24. Review status: criteria provided, single submitter. Criteria: ACMG Guidelines, 2015. Collection method: clinical testing. Allele origin: germline.
Comment: The CREBBP c.3214T>G variant is predicted to result in the amino acid substitution p.Ser1072Ala. To our knowledge, this variant has not been reported in the literature. This variant is reported in 0.0080% of alleles in individuals of African descent in gnomAD. At this time, the clinical significance of this variant is uncertain due to the absence of conclusive functional and genetic evidence.

Fulgent Genetics
Classification: Uncertain significance for Rubinstein-Taybi syndrome due to CREBBP mutations; Menke-Hennekam syndrome 1. Last evaluated: 2024-05-15. Review status: criteria provided, single submitter. Criteria: ACMG Guidelines, 2015. Collection method: clinical testing. Allele origin: germline.

Labcorp Genetics (formerly Invitae), Labcorp
Classification: Likely benign for Rubinstein-Taybi syndrome. Last evaluated: 2023-11-04. Review status: criteria provided, single submitter. Criteria: Invitae Variant Classification Sherloc (09022015). Collection method: clinical testing. Allele origin: germline.

NM_004380.3(CREBBP):c.3214T>G (p.Ser1072Ala)

Gene: CREBBP (CREB binding lysine acetyltransferase; minus strand). Cytogenetic location: 16p13.3.
Variant type: single nucleotide variant.
Coding change: c.3214T>G on transcript NM_004380.3 (MANE Select); coding-DNA position 3214, T replaced by G.
Protein change: p.Ser1072Ala; replaces serine 1072 with alanine.
Molecular consequence: missense variant.
Genome position (GRCh38, 1-based): chr16:3,767,756, A>C on the plus strand (T>G on the coding strand, the complement: CREBBP is on the minus strand). VCF-style: chr16-3767756-A-C. GRCh37 (hg19) VCF-style: chr16-3817757-A-C.
Other names: c.3100T>G, p.Ser1034Ala (NM_001079846.1); c.3214T>G (NM_004380.2); short protein forms S1034A, S1072A.
Identifiers: ClinVar variation 2737629 (VCV002737629.5), dbSNP rs947598568, ClinGen allele CA277006808.